The following is an entry in ClinVar:

ClinVar aggregate classification (germline): Uncertain significance. Review status: criteria provided, multiple submitters, no conflicts (2 of 4 stars). 2 submissions from 2 submitters: Uncertain significance (2). Last evaluated 2025-07-05.

Conditions:
Inborn genetic diseases. Identifiers: MedGen C0950123, MeSH D030342.

Allele frequency attached by ClinVar (database versions not stated): ExAC 0.00001.

Submissions (2):

Dasa
Classification: Uncertain significance. Last evaluated: 2025-07-05. Review status: criteria provided, single submitter. Criteria: DASA Assertion Criteria. Collection method: clinical testing. Allele origin: germline.
Comment: NM_152641.4(ARID2):c.3838A>G (p.Asn1280Asp) is a missense variant that results in the substitution of asparagine with aspartic acid. This variant is rare in population databases. Computational prediction algorithms are consistent with a benign effect. The currently available literature and clinical evidence are not sufficient to establish a definitive association between this variant and the reported condition. Therefore, this variant is classified as a variant of uncertain significance.

Ambry Genetics
Classification: Uncertain significance for Inborn genetic diseases. Last evaluated: 2023-12-27. Review status: criteria provided, single submitter. Criteria: Ambry Variant Classification Scheme 2023. Collection method: clinical testing. Allele origin: germline.

NM_152641.4(ARID2):c.3838A>G (p.Asn1280Asp)

Gene: ARID2 (AT-rich interaction domain 2; plus strand). Cytogenetic location: 12q12.
Variant type: single nucleotide variant.
Coding change: c.3838A>G on transcript NM_152641.4 (MANE Select); coding-DNA position 3838, A replaced by G.
Protein change: p.Asn1280Asp; replaces asparagine 1280 with aspartic acid.
Molecular consequence: missense variant.
Genome position (GRCh38, 1-based): chr12:45,851,961, A>G. VCF-style: chr12-45851961-A-G. GRCh37 (hg19) VCF-style: chr12-46245744-A-G.
Other names: c.3838A>G, p.Asn1280Asp (NM_001347839.2); short protein forms N1280D.
Identifiers: ClinVar variation 3129422 (VCV003129422.3), dbSNP rs749189461, ClinGen allele CA6526537.